The following is an entry in ClinVar:

ClinVar aggregate classification (germline): Uncertain significance (1 of 4 stars; one submission).

Conditions:
AFF4-related disorder. Also called: AFF4-related condition.

gnomAD v4.1: 5 of 1,614,056 alleles (0.00031%); highest among the groups gnomAD compares: African/African-American, 0.004%; no homozygotes.

Submission:

PreventionGenetics, part of Exact Sciences
Classification: Uncertain significance for AFF4-related condition. Last evaluated: 2025-02-17. Review status: criteria provided, single submitter. Criteria: ACMG Guidelines, 2015. Collection method: clinical testing. Allele origin: germline.
Comment: The AFF4 c.581A>G variant is predicted to result in the amino acid substitution p.His194Arg. To our knowledge, this variant has not been reported in the literature. This variant is reported in 0.00088% of alleles in individuals of European (Non-Finnish) descent in gnomAD. At this time, the clinical significance of this variant is uncertain due to the absence of conclusive functional and genetic evidence.

NM_014423.4(AFF4):c.581A>G (p.His194Arg)

Gene: AFF4 (ALF transcription elongation factor 4; minus strand). Cytogenetic location: 5q31.1.
Variant type: single nucleotide variant.
Coding change: c.581A>G on transcript NM_014423.4 (MANE Select); coding-DNA position 581, A replaced by G.
Protein change: p.His194Arg; replaces histidine 194 with arginine.
Molecular consequence: missense variant.
Genome position (GRCh38, 1-based): chr5:132,934,484, T>C on the plus strand (A>G on the coding strand, the complement: AFF4 is on the minus strand). VCF-style: chr5-132934484-T-C. GRCh37 (hg19) VCF-style: chr5-132270176-T-C.
Other names: short protein forms H194R.
Identifiers: ClinVar variation 3354716 (VCV003354716.2).
Genomic context (GRCh38, chr5:132,934,484, plus strand): 5'-CGAGGTGATTTGGAGCGTTGATGTTCCTTGCTATGGTGATCATTCCCATGAGACCTGGAA[T>C]GACTAGAGTTTAATGAAGAAACAGCCTGGGGTTTTCCAGGGCTGGAAGAACGTGATTTGG-3'
Protein context (NP_055238.1, residues 184-204): PQAVSSLNSS[His194Arg]SRSHGNDHHS